The following is an entry in ClinVar:

NM_006231.4(POLE):c.787C>G (p.Leu263Val)

Gene: POLE (DNA polymerase epsilon, catalytic subunit; minus strand). Cytogenetic location: 12q24.33.
Variant type: single nucleotide variant.
Coding change: c.787C>G on transcript NM_006231.4 (MANE Select); coding-DNA position 787, C replaced by G.
Protein change: p.Leu263Val; replaces leucine 263 with valine.
Molecular consequence: missense variant.
Genome position (GRCh38, 1-based): chr12:132,677,377, G>C on the plus strand (C>G on the coding strand, the complement: POLE is on the minus strand). VCF-style: chr12-132677377-G-C. GRCh37 (hg19) VCF-style: chr12-133253963-G-C.
Other names: short protein forms L263V.
Identifiers: ClinVar variation 3422234 (VCV003422234.1).

ClinVar aggregate classification (germline): Uncertain significance (1 of 4 stars; one submission).

Conditions:
Hereditary cancer-predisposing syndrome. Also called: Neoplastic Syndromes, Hereditary; Tumor predisposition; Hereditary Cancer Syndrome; Hereditary neoplastic syndrome. Identifiers: Orphanet 140162, MedGen C0027672, MeSH D009386, MONDO:0015356.

Submission:

Ambry Genetics
Classification: Uncertain significance for Hereditary cancer-predisposing syndrome. Last evaluated: 2024-12-02. Review status: criteria provided, single submitter. Criteria: Ambry Variant Classification Scheme 2023. Collection method: clinical testing. Allele origin: germline.
Comment: The p.L263V variant (also known as c.787C>G), located in coding exon 8 of the POLE gene, results from a C to G substitution at nucleotide position 787. The leucine at codon 263 is replaced by valine, an amino acid with highly similar properties. This amino acid position is conserved. In addition, the in silico prediction for this alteration is inconclusive. Based on the available evidence, the clinical significance of this variant remains unclear.